The following is an entry in ClinVar:

NM_016077.5(PTRH2):c.168A>G (p.Ala56=)

Gene: PTRH2 (peptidyl-tRNA hydrolase 2; minus strand). Cytogenetic location: 17q23.1.
Variant type: single nucleotide variant.
Coding change: c.168A>G on transcript NM_016077.5 (MANE Select); coding-DNA position 168, A replaced by G.
Protein change: p.Ala56=; no amino-acid change (alanine 56 retained).
Molecular consequence: synonymous variant.
Genome position (GRCh38, 1-based): chr17:59,697,811, T>C on the plus strand (A>G on the coding strand, the complement: PTRH2 is on the minus strand). VCF-style: chr17-59697811-T-C. GRCh37 (hg19) VCF-style: chr17-57775172-T-C.
Other names: p.Ala56=; c.171A>G, p.Ala57= (NM_001015509.3).
Identifiers: ClinVar variation 382976 (VCV000382976.16), dbSNP rs142925288, ClinGen allele CA8681939.
Genomic context (GRCh38, chr17:59,697,811, plus strand): 5'-CTTTAAGTCATTTCGAACCACAAGAATCATCTTGTACTCCCCGCTGTCTCCCAAGATGCT[T>C]GCTTCACTTTCAGTATCTGTGTGTGTCTTGCTCGTCTTGCTTTTGGGGAGCATCCCAAAG-3'
Protein context (NP_057161.1, residues 46-66): SKTHTDTESE[Ala56=]SILGDSGEYK

ClinVar aggregate classification (germline): Benign/Likely benign. Review status: criteria provided, multiple submitters, no conflicts (2 of 4 stars). 6 submissions from 6 submitters: Benign (2); Likely benign (4). Last evaluated 2026-08-01.

Allele frequency attached by ClinVar (database versions not stated): gnomAD 0.00178 and 0.00168; ESP Exome Variant Server 0.00185; TOPMed 0.00198; gnomAD exomes 0.00038; ExAC 0.00051; 1000 Genomes Project 0.00140; 1000 Genomes Project 30x 0.00141.
gnomAD v4.1: 474 of 1,614,214 alleles (0.029%); highest among the groups gnomAD compares: African/African-American, 0.53%; 2 homozygotes.

Submissions (6):

CeGaT Center for Human Genetics Tuebingen
Classification: Likely benign. Last evaluated: 2026-08-01. Review status: criteria provided, single submitter. Criteria: CeGaT Center For Human Genetics Tuebingen Variant Classification Criteria Version 2. Collection method: clinical testing. Allele origin: germline. Affected: yes. Observed: 3 variant alleles.
Comment: PTRH2: BP4, BP7

Mayo Clinic Laboratories, Mayo Clinic
Classification: Benign. Last evaluated: 2025-02-11. Review status: criteria provided, single submitter. Criteria: ACMG Guidelines, 2015. Collection method: clinical testing. Allele origin: germline. Observed: 2 variant alleles.
Comment: BA1, BP4, BP7

Women's Health and Genetics/Laboratory Corporation of America, LabCorp
Classification: Likely benign. Last evaluated: 2025-02-04. Review status: criteria provided, single submitter. Criteria: LabCorp Variant Classification Summary - May 2015. Collection method: clinical testing. Allele origin: germline.

Labcorp Genetics (formerly Invitae), Labcorp
Classification: Benign. Last evaluated: 2019-12-31. Review status: criteria provided, single submitter. Criteria: Invitae Variant Classification Sherloc (09022015). Collection method: clinical testing. Allele origin: germline.

GeneDx
Classification: Likely benign. Last evaluated: 2018-02-07. Review status: criteria provided, single submitter. Criteria: GeneDx Variant Classification (06012015). Collection method: clinical testing. Allele origin: germline. Affected: yes.
Comment: This variant is considered likely benign or benign based on one or more of the following criteria: it is a conservative change, it occurs at a poorly conserved position in the protein, it is predicted to be benign by multiple in silico algorithms, and/or has population frequency not consistent with disease.

Breakthrough Genomics
Classification: Likely benign. Review status: criteria provided, single submitter. Criteria: ACMG Guidelines, 2015. Collection method: not provided. Allele origin: germline. Inheritance: Autosomal recessive inheritance. Affected: yes.